The following is an entry in ClinVar:

NM_001242.5(CD27):c.88A>G (p.Arg30Gly)

Genes: CD27 (CD27 molecule; plus strand), CD27-AS1 (CD27 antisense RNA 1; minus strand). Cytogenetic location: 12p13.31.
Variant type: single nucleotide variant.
Coding change: c.88A>G on transcript NM_001242.5 (MANE Select); coding-DNA position 88, A replaced by G.
Protein change: p.Arg30Gly; replaces arginine 30 with glycine.
Molecular consequence: missense variant.
Genome position (GRCh38, 1-based): chr12:6,445,183, A>G. VCF-style: chr12-6445183-A-G. GRCh37 (hg19) VCF-style: chr12-6554349-A-G.
Other names: short protein forms R30G.
Identifiers: ClinVar variation 1365459 (VCV001365459.7), dbSNP rs1265131135, ClinGen allele CA383545175.

ClinVar aggregate classification (germline): Conflicting classifications of pathogenicity. Review status: criteria provided, conflicting classifications (1 of 4 stars). 2 submissions from 2 submitters: Uncertain significance (1); Likely benign (1). Last evaluated 2023-03-13.

Conditions:
Lymphoproliferative syndrome 2 (LPFS2). Also called: Combined immunodeficiency due to CD27 deficiency; CD27 DEFICIENCY. Identifiers: Orphanet 238505, MedGen C3554540, MONDO:0014054, OMIM 615122.

Allele frequency attached by ClinVar (database versions not stated): gnomAD exomes 0.00001.
gnomAD v4.1: 10 of 1,612,978 alleles (0.00062%); highest among the groups gnomAD compares: Non-Finnish European, 0.00085%; no homozygotes.

Submissions (2):

Blueprint Genetics
Classification: Likely benign. Last evaluated: 2023-03-13. Review status: criteria provided, single submitter. Criteria: ACMG Guidelines, 2015. Collection method: clinical testing. Allele origin: germline.

Labcorp Genetics (formerly Invitae), Labcorp
Classification: Uncertain significance for Lymphoproliferative syndrome 2. Last evaluated: 2021-09-17. Review status: criteria provided, single submitter. Criteria: Invitae Variant Classification Sherloc (09022015). Collection method: clinical testing. Allele origin: germline.
Comment: Algorithms developed to predict the effect of missense changes on protein structure and function output the following: SIFT: "Deleterious"; PolyPhen-2: "Benign"; Align-GVGD: "Class C45". The glycine amino acid residue is found in multiple mammalian species, which suggests that this missense change does not adversely affect protein function. In summary, the available evidence is currently insufficient to determine the role of this variant in disease. Therefore, it has been classified as a Variant of Uncertain Significance. This variant is not present in population databases (ExAC no frequency). This sequence change replaces arginine with glycine at codon 30 of the CD27 protein (p.Arg30Gly). The arginine residue is weakly conserved and there is a moderate physicochemical difference between arginine and glycine. This variant has not been reported in the literature in individuals affected with CD27-related conditions.